The following is an entry in ClinVar:

ClinVar aggregate classification (germline): Uncertain significance (1 of 4 stars; one submission).

Conditions:
Charcot-Marie-Tooth disease axonal type 2V. Also called: CHARCOT-MARIE-TOOTH NEUROPATHY, TYPE 2V; CHARCOT-MARIE-TOOTH DISEASE, AXONAL, AUTOSOMAL DOMINANT, TYPE 2V. Identifiers: Orphanet 447964, MedGen C5569050, MONDO:0014665, OMIM 616491.
Mucopolysaccharidosis, MPS-III-B (MPS3B). Also called: MPS IIIB (Sanfilippo Syndrome Type B); N-ACETYL-ALPHA-D-GLUCOSAMINIDASE DEFICIENCY; NAGLU DEFICIENCY; MUCOPOLYSACCHARIDOSIS, TYPE IIIB; Mucopolysaccharidosis type IIIB (Sanfilippo B); SANFILIPPO SYNDROME B. Identifiers: Orphanet 79270, MedGen C0086648, MONDO:0009656, OMIM 252920.

Submission:

Labcorp Genetics (formerly Invitae), Labcorp
Classification: Uncertain significance for Charcot-Marie-Tooth disease axonal type 2V; Mucopolysaccharidosis, MPS-III-B. Last evaluated: 2024-02-20. Review status: criteria provided, single submitter. Criteria: Invitae Variant Classification Sherloc (09022015). Collection method: clinical testing. Allele origin: germline.
Comment: This sequence change falls in intron 1 of the NAGLU gene. It does not directly change the encoded amino acid sequence of the NAGLU protein. It affects a nucleotide within the consensus splice site. This variant is not present in population databases (gnomAD no frequency). This variant has not been reported in the literature in individuals affected with NAGLU-related conditions. ClinVar contains an entry for this variant (Variation ID: 1395611). Variants that disrupt the consensus splice site are a relatively common cause of aberrant splicing (PMID: 17576681, 9536098). Algorithms developed to predict the effect of sequence changes on RNA splicing suggest that this variant is not likely to affect RNA splicing. In summary, the available evidence is currently insufficient to determine the role of this variant in disease. Therefore, it has been classified as a Variant of Uncertain Significance.

Literature cited by the submitters: PubMed 17576681; PubMed 9536098.

NM_000263.4(NAGLU):c.383+5C>A

Gene: NAGLU (N-acetyl-alpha-glucosaminidase; plus strand). Cytogenetic location: 17q21.2.
Variant type: single nucleotide variant.
Coding change: c.383+5C>A on transcript NM_000263.4 (MANE Select); 5 bases into the intron after coding-DNA position 383, C replaced by A.
Molecular consequence: intron variant.
Genome position (GRCh38, 1-based): chr17:42,536,660, C>A. VCF-style: chr17-42536660-C-A. GRCh37 (hg19) VCF-style: chr17-40688678-C-A.
Identifiers: ClinVar variation 1395611 (VCV001395611.8), dbSNP rs762932040, ClinGen allele CA2573154147.
Genomic context (GRCh38, chr17:42,536,660, plus strand): 5'-CTGCCGCGGCCACTGCCAGCCGTGCCGGGGGAGCTGACCGAGGCCACGCCCAACAGGTAC[C>A]GCCCCGAAGCTTCCCCGCGTCCGCCCGAGGCGCTTACCCCCTCCCGGAGCCGCTGCCACC-3'